The following is an entry in ClinVar:

ClinVar aggregate classification (germline): Uncertain significance. Review status: criteria provided, multiple submitters, no conflicts (2 of 4 stars). 3 submissions from 3 submitters: Uncertain significance (3). Last evaluated 2025-10-18.

Conditions:
Neuropathy, hereditary motor and sensory, type 6B (HMSN6B). Also called: Neuropathy, hereditary motor and sensory, type VIB; NEUROPATHY, HEREDITARY MOTOR AND SENSORY, TYPE VIB, WITH OPTIC ATROPHY; HMSN VIB; CHARCOT-MARIE-TOOTH DISEASE, TYPE 6B. Identifiers: MedGen C4225302, MONDO:0014671, OMIM 616505.
Inborn genetic diseases. Identifiers: MedGen C0950123, MeSH D030342.

Allele frequency attached by ClinVar (database versions not stated): gnomAD 0.00005 and 0.00006; TOPMed 0.00005; gnomAD exomes 0.00006; ExAC 0.00007.
gnomAD v4.1: 93 of 1,588,988 alleles (0.0059%); highest among the groups gnomAD compares: Non-Finnish European, 0.0075%; 1 homozygote.

Submissions (3):

Ambry Genetics
Classification: Uncertain significance for Inborn genetic diseases. Last evaluated: 2025-10-18. Review status: criteria provided, single submitter. Criteria: Ambry Variant Classification Scheme 2023. Collection method: clinical testing. Allele origin: germline.

Labcorp Genetics (formerly Invitae), Labcorp
Classification: Uncertain significance for Neuropathy, hereditary motor and sensory, type 6B. Last evaluated: 2025-10-02. Review status: criteria provided, single submitter. Criteria: Invitae Variant Classification Sherloc (09022015). Collection method: clinical testing. Allele origin: germline.
Comment: This sequence change replaces histidine, which is basic and polar, with arginine, which is basic and polar, at codon 137 of the SLC25A46 protein (p.His137Arg). This variant is present in population databases (rs754427464, gnomAD 0.01%). This variant has not been reported in the literature in individuals affected with SLC25A46-related conditions. ClinVar contains an entry for this variant (Variation ID: 570160). An algorithm developed to predict the effect of missense changes on protein structure and function (PolyPhen-2) suggests that this variant is likely to be disruptive. In summary, the available evidence is currently insufficient to determine the role of this variant in disease. Therefore, it has been classified as a Variant of Uncertain Significance.

Blueprint Genetics
Classification: Uncertain significance. Last evaluated: 2024-07-11. Review status: criteria provided, single submitter. Criteria: ACMG Guidelines, 2015. Collection method: clinical testing. Allele origin: germline.

NM_138773.4(SLC25A46):c.410A>G (p.His137Arg)

Gene: SLC25A46 (solute carrier family 25 member 46; plus strand). Cytogenetic location: 5q22.1.
Variant type: single nucleotide variant.
Coding change: c.410A>G on transcript NM_138773.4 (MANE Select); coding-DNA position 410, A replaced by G.
Protein change: p.His137Arg; replaces histidine 137 with arginine.
Molecular consequence: missense variant. On other transcripts: non-coding transcript variant (1).
Genome position (GRCh38, 1-based): chr5:110,746,294, A>G. VCF-style: chr5-110746294-A-G. GRCh37 (hg19) VCF-style: chr5-110081995-A-G.
Other names: c.410A>G, p.His137Arg (NM_001303249.3); c.137A>G, p.His46Arg (NM_001303250.3); short protein forms H137R, H46R.
Identifiers: ClinVar variation 570160 (VCV000570160.13), dbSNP rs754427464, ClinGen allele CA3364588.
Genomic context (GRCh38, chr5:110,746,294, plus strand): 5'-TAACAGAAAAAAATAATGAAATATCTTTTTTACAGGTTAATTACCATGCTCAGCATTACC[A>G]TCTCACTCCATTTACAGTCATCAATATTATGTACAGTTTCAACAAAACTCAGGTGAGAAT-3'
Protein context (NP_620128.1, residues 127-147): CQVNYHAQHY[His137Arg]LTPFTVINIM